The following is an entry in ClinVar:

NM_005633.4(SOS1):c.374A>G (p.Gln125Arg)

Gene: SOS1 (SOS Ras/Rac guanine nucleotide exchange factor 1; minus strand). Cytogenetic location: 2p22.1.
Variant type: single nucleotide variant.
Coding change: c.374A>G on transcript NM_005633.4 (MANE Select); coding-DNA position 374, A replaced by G.
Protein change: p.Gln125Arg; replaces glutamine 125 with arginine.
Molecular consequence: missense variant.
Genome position (GRCh38, 1-based): chr2:39,056,838, T>C on the plus strand (A>G on the coding strand, the complement: SOS1 is on the minus strand). VCF-style: chr2-39056838-T-C. GRCh37 (hg19) VCF-style: chr2-39283979-T-C.
Other names: c.353A>G, p.Gln118Arg (NM_001382394.1); c.374A>G, p.Gln125Arg (NM_001382395.1); short protein forms Q118R, Q125R.
Identifiers: ClinVar variation 4801970 (VCV004801970.1).

ClinVar aggregate classification (germline): Uncertain significance (1 of 4 stars; one submission).

Conditions:
RASopathy. Also called: rasopathies; Noonan spectrum disorder. Identifiers: Orphanet 536391, MedGen C5555857, MONDO:0021060.

Submission:

Labcorp Genetics (formerly Invitae), Labcorp
Classification: Uncertain significance for RASopathy. Last evaluated: 2025-02-08. Review status: criteria provided, single submitter. Criteria: Invitae Variant Classification Sherloc (09022015). Collection method: clinical testing. Allele origin: germline.
Comment: This sequence change replaces glutamine, which is neutral and polar, with arginine, which is basic and polar, at codon 125 of the SOS1 protein (p.Gln125Arg). This variant is not present in population databases (gnomAD no frequency). This variant has not been reported in the literature in individuals affected with SOS1-related conditions. Invitae Evidence Modeling of protein sequence and biophysical properties (such as structural, functional, and spatial information, amino acid conservation, physicochemical variation, residue mobility, and thermodynamic stability) indicates that this missense variant is expected to disrupt SOS1 protein function with a positive predictive value of 80%. In summary, the available evidence is currently insufficient to determine the role of this variant in disease. Therefore, it has been classified as a Variant of Uncertain Significance.